The following is an entry in ClinVar:

NM_003072.5(SMARCA4):c.561C>G (p.Tyr187Ter)

Gene: SMARCA4 (SWI/SNF related BAF chromatin remodeling complex subunit ATPase 4; plus strand). Cytogenetic location: 19p13.2.
Variant type: single nucleotide variant.
Coding change: c.561C>G on transcript NM_003072.5 (MANE Select); coding-DNA position 561, C replaced by G.
Protein change: p.Tyr187Ter; replaces tyrosine 187 with a stop codon.
Molecular consequence: nonsense. On other transcripts: non-coding transcript variant (1).
Genome position (GRCh38, 1-based): chr19:10,986,394, C>G. VCF-style: chr19-10986394-C-G. GRCh37 (hg19) VCF-style: chr19-11097070-C-G.
Other names: c.561C>G, p.Tyr187Ter (NM_001128844.3, NM_001128845.2, NM_001128846.2 and 5 more transcripts); short protein forms Y187*.
Identifiers: ClinVar variation 1443479 (VCV001443479.8), dbSNP rs1305866080, ClinGen allele CA404056389.

ClinVar aggregate classification (germline): Pathogenic (1 of 4 stars; one submission).

Conditions:
Rhabdoid tumor predisposition syndrome 2 (RTPS2). Identifiers: Orphanet 231108, Orphanet 69077, MedGen C2750074, MONDO:0013224, OMIM 613325.

Submission:

Labcorp Genetics (formerly Invitae), Labcorp
Classification: Pathogenic for Rhabdoid tumor predisposition syndrome 2. Last evaluated: 2021-04-30. Review status: criteria provided, single submitter. Criteria: Invitae Variant Classification Sherloc (09022015). Collection method: clinical testing. Allele origin: germline.
Comment: For these reasons, this variant has been classified as Pathogenic. This variant has been observed in individual(s) with small cell carcinoma of the ovary (PMID: 24658002). This variant is not present in population databases (ExAC no frequency). This sequence change creates a premature translational stop signal (p.Tyr187*) in the SMARCA4 gene. It is expected to result in an absent or disrupted protein product. Loss-of-function variants in SMARCA4 are known to be pathogenic (PMID: 24658001, 24658002).

Literature cited by the submitters: PubMed 24658002; PubMed 24658001.